The following is an entry in ClinVar:

NM_170707.4(LMNA):c.784del (p.Glu262fs)

Gene: LMNA (lamin A/C; plus strand). Cytogenetic location: 1q22.
Variant type: Deletion.
Coding change: c.784del on transcript NM_170707.4 (MANE Select); coding-DNA position 784, one base deleted (G; older notation c.784delG).
Protein change: p.Glu262fs; shifts the reading frame from glutamic acid 262.
Molecular consequence: frameshift variant.
Genome position (GRCh38, 1-based): chr1:156,134,949, G deleted; the last of 2 consecutive G bases (chr1:156,134,948-156,134,949); deleting either gives the same sequence. VCF-style (leftmost placement, unchanged base first): chr1-156134947-AG-A. GRCh37 (hg19) VCF-style: chr1-156104738-AG-A.
Other names: c.448del, p.Glu150fs (NM_001257374.3); c.541del, p.Glu181fs (NM_001282624.2); c.784del, p.Glu262fs (NM_001282625.2, NM_001282626.2, NM_005572.4 and 1 more transcripts); short protein forms E262fs, E150fs, E181fs.
Identifiers: ClinVar variation 279840 (VCV000279840.2), dbSNP rs886041211, ClinGen allele CA10602762.

ClinVar aggregate classification (germline): Pathogenic (1 of 4 stars; one submission).

Submission:

GeneDx
Classification: Pathogenic. Last evaluated: 2017-02-27. Review status: criteria provided, single submitter. Criteria: GeneDx Variant Classification (06012015). Collection method: clinical testing. Allele origin: germline. Affected: yes.
Comment: This variant causes a shift in reading frame starting at codon Glutamic acid 262, changing it to a Serine, and creating a premature stop codon at position 218 of the new reading frame, denoted p.Glu262SerfsX218. This pathogenic variant is expected to result in either an abnormal, truncated protein product or loss of protein from this allele through nonsense-mediated mRNA decay. Other frameshift variants in the LMNA gene have been reported in HGMD in association with LMNA-related disorders (Stenson et al., 2014). Furthermore, the c.784delG variant was not observed in approximately 6,500 individuals of European and African American ancestry in the NHLBI Exome Sequencing Project, indicating it is not a common benign variant in these populations. In summary, c.784delG in the LMNA gene is interpreted as a pathogenic variant.